The following is an entry in ClinVar:

ClinVar aggregate classification (germline): Benign/Likely benign. Review status: criteria provided, multiple submitters, no conflicts (2 of 4 stars). 5 submissions from 4 submitters: Benign (4); Likely benign (1). Last evaluated 2026-01-26.

Conditions:
LAMB2-related infantile-onset nephrotic syndrome. Also called: NEPHROTIC SYNDROME, TYPE 5, WITHOUT OCULAR ABNORMALITIES; NEPHROTIC SYNDROME, TYPE 5, WITH OCULAR ABNORMALITIES; Nephrotic Syndrome, type 5. Identifiers: Orphanet 306507, MedGen C3280113, MONDO:0013621, OMIM 614199.
Pierson syndrome. Also called: MICROCORIA-CONGENITAL NEPHROTIC SYNDROME. Identifiers: Orphanet 2670, MedGen C1836876, MONDO:0012184, OMIM 609049.

Allele frequency attached by ClinVar (database versions not stated): ESP Exome Variant Server 0.00015; gnomAD 0.00036 and 0.00050; TOPMed 0.00046; gnomAD exomes 0.00101; ExAC 0.00107; 1000 Genomes Project 30x 0.00250; 1000 Genomes Project 0.00280.

Submissions (5):

Labcorp Genetics (formerly Invitae), Labcorp
Classification: Benign for LAMB2-related infantile-onset nephrotic syndrome; Pierson syndrome. Last evaluated: 2026-01-26. Review status: criteria provided, single submitter. Criteria: Invitae Variant Classification Sherloc (09022015). Collection method: clinical testing. Allele origin: germline.

Blueprint Genetics
Classification: Likely benign. Last evaluated: 2024-09-09. Review status: criteria provided, single submitter. Criteria: ACMG Guidelines, 2015. Collection method: clinical testing. Allele origin: germline.

Illumina Laboratory Services, Illumina
Classification: Benign for LAMB2-related infantile-onset nephrotic syndrome. Last evaluated: 2018-01-12. Review status: criteria provided, single submitter. Criteria: ICSL Variant Classification Criteria 13 December 2019. Collection method: clinical testing. Allele origin: germline.
Comment: This variant was observed in the ICSL laboratory as part of a predisposition screen in an ostensibly healthy population. It had not been previously curated by ICSL or reported in the Human Gene Mutation Database (HGMD: prior to June 1st, 2018), and was therefore a candidate for classification through an automated scoring system. Utilizing variant allele frequency, disease prevalence and penetrance estimates, and inheritance mode, an automated score was calculated to assess if this variant is too frequent to cause the disease. Based on the score and internal cut-off values, a variant classified as benign is not then subjected to further curation. The score for this variant resulted in a classification of benign for this disease.

Illumina Laboratory Services, Illumina
Classification: Benign for Pierson syndrome. Last evaluated: 2018-01-12. Review status: criteria provided, single submitter. Criteria: ICSL Variant Classification Criteria 13 December 2019. Collection method: clinical testing. Allele origin: germline.
Comment: the same text as in the submission from Illumina Laboratory Services, Illumina above.

Breakthrough Genomics
Classification: Benign. Review status: criteria provided, single submitter. Criteria: ACMG Guidelines, 2015. Collection method: not provided. Allele origin: germline. Inheritance: Autosomal recessive inheritance. Affected: yes.

NM_002292.4(LAMB2):c.3325G>A (p.Glu1109Lys)

Gene: LAMB2 (laminin subunit beta 2; minus strand). Cytogenetic location: 3p21.31.
Variant type: single nucleotide variant.
Coding change: c.3325G>A on transcript NM_002292.4 (MANE Select); coding-DNA position 3325, G replaced by A.
Protein change: p.Glu1109Lys; replaces glutamic acid 1109 with lysine.
Molecular consequence: missense variant.
Genome position (GRCh38, 1-based): chr3:49,124,397, C>T on the plus strand (G>A on the coding strand, the complement: LAMB2 is on the minus strand). VCF-style: chr3-49124397-C-T. GRCh37 (hg19) VCF-style: chr3-49161830-C-T.
Other names: short protein forms E1109K.
Identifiers: ClinVar variation 345988 (VCV000345988.16), dbSNP rs79677861, ClinGen allele CA2394089.